The following is an entry in ClinVar:

ClinVar aggregate classification (germline): Uncertain significance (1 of 4 stars; one submission).

gnomAD v4.1: 25 of 1,604,760 alleles (0.0016%); highest among the groups gnomAD compares: African/African-American, 0.0027%; no homozygotes.

Submission:

Labcorp Genetics (formerly Invitae), Labcorp
Classification: Uncertain significance. Last evaluated: 2024-03-22. Review status: criteria provided, single submitter. Criteria: Invitae Variant Classification Sherloc (09022015). Collection method: clinical testing. Allele origin: germline.
Comment: This sequence change replaces valine, which is neutral and non-polar, with alanine, which is neutral and non-polar, at codon 280 of the NEDD4L protein (p.Val280Ala). This variant is present in population databases (rs757226603, gnomAD 0.007%). This variant has not been reported in the literature in individuals affected with NEDD4L-related conditions. Advanced modeling of protein sequence and biophysical properties (such as structural, functional, and spatial information, amino acid conservation, physicochemical variation, residue mobility, and thermodynamic stability) performed at Invitae indicates that this missense variant is not expected to disrupt NEDD4L protein function with a negative predictive value of 80%. In summary, the available evidence is currently insufficient to determine the role of this variant in disease. Therefore, it has been classified as a Variant of Uncertain Significance.

NM_001144967.3(NEDD4L):c.839T>C (p.Val280Ala)

Gene: NEDD4L (NEDD4 like E3 ubiquitin protein ligase; plus strand). Cytogenetic location: 18q21.31.
Variant type: single nucleotide variant.
Coding change: c.839T>C on transcript NM_001144967.3 (MANE Select); coding-DNA position 839, T replaced by C.
Protein change: p.Val280Ala; replaces valine 280 with alanine.
Molecular consequence: missense variant.
Genome position (GRCh38, 1-based): chr18:58,330,763, T>C. VCF-style: chr18-58330763-T-C. GRCh37 (hg19) VCF-style: chr18-55997995-T-C.
Other names: c.476T>C, p.Val159Ala (NM_001144964.1, NM_001144965.2, NM_001144966.3 and 2 more transcripts); c.815T>C, p.Val272Ala (NM_001144968.2, NM_001144969.2); c.839T>C, p.Val280Ala (NM_001243960.2, NM_015277.6); short protein forms V272A, V159A, V280A.
Identifiers: ClinVar variation 3682214 (VCV003682214.2).